The following is an entry in ClinVar:

NM_001868.4(CPA1):c.625A>G (p.Ile209Val)

Gene: CPA1 (carboxypeptidase A1; plus strand). Cytogenetic location: 7q32.2.
Variant type: single nucleotide variant.
Coding change: c.625A>G on transcript NM_001868.4 (MANE Select); coding-DNA position 625, A replaced by G.
Protein change: p.Ile209Val; replaces isoleucine 209 with valine.
Molecular consequence: missense variant.
Genome position (GRCh38, 1-based): chr7:130,383,723, A>G. VCF-style: chr7-130383723-A-G. GRCh37 (hg19) VCF-style: chr7-130023564-A-G.
Other names: short protein forms I209V.
Identifiers: ClinVar variation 3221837 (VCV003221837.3), dbSNP rs782417364, ClinGen allele CA4484878.

ClinVar aggregate classification (germline): Conflicting classifications of pathogenicity. Review status: criteria provided, conflicting classifications (1 of 4 stars). 2 submissions from 2 submitters: Uncertain significance (1); Likely benign (1). Last evaluated 2024-08-27.

Conditions:
Hereditary pancreatitis (PCTT). Also called: Hereditary chronic pancreatitis; PRSS1-Related Hereditary Pancreatitis. Identifiers: Orphanet 676, MedGen C0238339, MONDO:0008185, OMIM 167800.

Allele frequency attached by ClinVar (database versions not stated): ExAC 0.00001; gnomAD exomes 0.00001.
gnomAD v4.1: 9 of 1,614,196 alleles (0.00056%); highest among the groups gnomAD compares: Middle Eastern, 0.016%; no homozygotes.

Submissions (2):

Labcorp Genetics (formerly Invitae), Labcorp
Classification: Uncertain significance. Last evaluated: 2024-08-27. Review status: criteria provided, single submitter. Criteria: Invitae Variant Classification Sherloc (09022015). Collection method: clinical testing. Allele origin: germline.
Comment: This sequence change replaces isoleucine, which is neutral and non-polar, with valine, which is neutral and non-polar, at codon 209 of the CPA1 protein (p.Ile209Val). This variant is present in population databases (rs782417364, gnomAD 0.002%). This variant has not been reported in the literature in individuals affected with CPA1-related conditions. Invitae Evidence Modeling of protein sequence and biophysical properties (such as structural, functional, and spatial information, amino acid conservation, physicochemical variation, residue mobility, and thermodynamic stability) indicates that this missense variant is not expected to disrupt CPA1 protein function with a negative predictive value of 80%. In summary, the available evidence is currently insufficient to determine the role of this variant in disease. Therefore, it has been classified as a Variant of Uncertain Significance.

Ambry Genetics
Classification: Likely benign for Hereditary pancreatitis. Last evaluated: 2024-02-29. Review status: criteria provided, single submitter. Criteria: Ambry Variant Classification Scheme 2023. Collection method: clinical testing. Allele origin: germline.